The following is an entry in ClinVar:

NM_020461.4(TUBGCP6):c.3626G>A (p.Arg1209Gln)

Gene: TUBGCP6 (tubulin gamma complex component 6; minus strand). Cytogenetic location: 22q13.33.
Variant type: single nucleotide variant.
Coding change: c.3626G>A on transcript NM_020461.4 (MANE Select); coding-DNA position 3626, G replaced by A.
Protein change: p.Arg1209Gln; replaces arginine 1209 with glutamine.
Molecular consequence: missense variant.
Genome position (GRCh38, 1-based): chr22:50,220,733, C>T on the plus strand (G>A on the coding strand, the complement: TUBGCP6 is on the minus strand). VCF-style: chr22-50220733-C-T. GRCh37 (hg19) VCF-style: chr22-50659162-C-T.
Other names: short protein forms R1209Q.
Identifiers: ClinVar variation 1511313 (VCV001511313.5), dbSNP rs568995761, ClinGen allele CA10307880.

ClinVar aggregate classification (germline): Uncertain significance (1 of 4 stars; one submission).

Allele frequency attached by ClinVar (database versions not stated): ExAC 0.00001; gnomAD 0.00004; 1000 Genomes Project 0.00020; 1000 Genomes Project 30x 0.00109.

Submission:

Labcorp Genetics (formerly Invitae), Labcorp
Classification: Uncertain significance. Last evaluated: 2021-12-24. Review status: criteria provided, single submitter. Criteria: Invitae Variant Classification Sherloc (09022015). Collection method: clinical testing. Allele origin: germline.
Comment: This sequence change replaces arginine, which is basic and polar, with glutamine, which is neutral and polar, at codon 1209 of the TUBGCP6 protein (p.Arg1209Gln). The frequency data for this variant in the population databases is considered unreliable, as metrics indicate poor data quality at this position in the gnomAD database. This variant has not been reported in the literature in individuals affected with TUBGCP6-related conditions. Algorithms developed to predict the effect of missense changes on protein structure and function output the following: SIFT: "Tolerated"; PolyPhen-2: "Possibly Damaging"; Align-GVGD: "Class C0". The glutamine amino acid residue is found in multiple mammalian species, which suggests that this missense change does not adversely affect protein function. Algorithms developed to predict the effect of sequence changes on RNA splicing suggest that this variant may create or strengthen a splice site. In summary, the available evidence is currently insufficient to determine the role of this variant in disease. Therefore, it has been classified as a Variant of Uncertain Significance.